The following is an entry in ClinVar:

NM_001130438.3(SPTAN1):c.2956G>A (p.Val986Ile)

Gene: SPTAN1 (spectrin alpha, non-erythrocytic 1; plus strand). Cytogenetic location: 9q34.11.
Variant type: single nucleotide variant.
Coding change: c.2956G>A on transcript NM_001130438.3 (MANE Select); coding-DNA position 2956, G replaced by A.
Protein change: p.Val986Ile; replaces valine 986 with isoleucine.
Molecular consequence: missense variant.
Genome position (GRCh38, 1-based): chr9:128,588,893, G>A. VCF-style: chr9-128588893-G-A. GRCh37 (hg19) VCF-style: chr9-131351172-G-A.
Other names: c.2956G>A, p.Val986Ile (NM_001195532.2, NM_001363759.2, NM_001363765.2 and 5 more transcripts); c.2992G>A, p.Val998Ile (NM_001375312.2, NM_001375318.1); short protein forms V998I, V986I.
Identifiers: ClinVar variation 3687261 (VCV003687261.2).

ClinVar aggregate classification (germline): Uncertain significance (1 of 4 stars; one submission).

Conditions:
Early-infantile DEE. Also called: Ohtahara syndrome; Early infantile epileptic encephalopathy with suppression bursts; Early infantile epileptic encephalopathy. Identifiers: Orphanet 1934, MedGen C0393706, MONDO:0800491.

gnomAD v4.1: 2 of 1,614,010 alleles (0.00012%); highest among the groups gnomAD compares: African/African-American, 0.0013%; no homozygotes.

Submission:

Labcorp Genetics (formerly Invitae), Labcorp
Classification: Uncertain significance for Early-infantile DEE. Last evaluated: 2024-07-06. Review status: criteria provided, single submitter. Criteria: Invitae Variant Classification Sherloc (09022015). Collection method: clinical testing. Allele origin: germline.
Comment: This sequence change replaces valine, which is neutral and non-polar, with isoleucine, which is neutral and non-polar, at codon 986 of the SPTAN1 protein (p.Val986Ile). This variant is not present in population databases (gnomAD no frequency). This variant has not been reported in the literature in individuals affected with SPTAN1-related conditions. Advanced modeling of protein sequence and biophysical properties (such as structural, functional, and spatial information, amino acid conservation, physicochemical variation, residue mobility, and thermodynamic stability) has been performed at Invitae for this missense variant, however the output from this modeling did not meet the statistical confidence thresholds required to predict the impact of this variant on SPTAN1 protein function. In summary, the available evidence is currently insufficient to determine the role of this variant in disease. Therefore, it has been classified as a Variant of Uncertain Significance.